The following is an entry in ClinVar:

NM_005045.4(RELN):c.7283G>A (p.Arg2428Gln)

Gene: RELN (reelin; minus strand). Cytogenetic location: 7q22.1.
Variant type: single nucleotide variant.
Coding change: c.7283G>A on transcript NM_005045.4 (MANE Select); coding-DNA position 7283, G replaced by A.
Protein change: p.Arg2428Gln; replaces arginine 2428 with glutamine.
Molecular consequence: missense variant.
Genome position (GRCh38, 1-based): chr7:103,535,382, C>T on the plus strand (G>A on the coding strand, the complement: RELN is on the minus strand). VCF-style: chr7-103535382-C-T. GRCh37 (hg19) VCF-style: chr7-103175829-C-T.
Other names: c.7283G>A, p.Arg2428Gln (NM_173054.3); short protein forms R2428Q.
Identifiers: ClinVar variation 1057915 (VCV001057915.9), dbSNP rs948422815, ClinGen allele CA163938659.

ClinVar aggregate classification (germline): Uncertain significance (1 of 4 stars; one submission).

Conditions:
Familial temporal lobe epilepsy 7. Identifiers: Orphanet 101046, MedGen C4225327, MONDO:0014639, OMIM 616436.
Norman-Roberts syndrome (LIS2). Also called: Lissencephaly 2 (Norman-Roberts type). Identifiers: Orphanet 89844, MedGen C0796089, MONDO:0009760, OMIM 257320.

gnomAD v4.1: 3 of 1,614,030 alleles (0.00019%); highest among the groups gnomAD compares: East Asian, 0.0045%; no homozygotes.

Submission:

Labcorp Genetics (formerly Invitae), Labcorp
Classification: Uncertain significance for Familial temporal lobe epilepsy 7; Norman-Roberts syndrome. Last evaluated: 2025-03-18. Review status: criteria provided, single submitter. Criteria: Invitae Variant Classification Sherloc (09022015). Collection method: clinical testing. Allele origin: germline.
Comment: This sequence change replaces arginine, which is basic and polar, with glutamine, which is neutral and polar, at codon 2428 of the RELN protein (p.Arg2428Gln). This variant is not present in population databases (gnomAD no frequency). This variant has not been reported in the literature in individuals affected with RELN-related conditions. ClinVar contains an entry for this variant (Variation ID: 1057915). Invitae Evidence Modeling of protein sequence and biophysical properties (such as structural, functional, and spatial information, amino acid conservation, physicochemical variation, residue mobility, and thermodynamic stability) indicates that this missense variant is not expected to disrupt RELN protein function with a negative predictive value of 80%. In summary, the available evidence is currently insufficient to determine the role of this variant in disease. Therefore, it has been classified as a Variant of Uncertain Significance.